The following is an entry in ClinVar:

NM_000080.4(CHRNE):c.1255G>A (p.Glu419Lys)

Gene: CHRNE (cholinergic receptor nicotinic epsilon subunit; minus strand). Cytogenetic location: 17p13.2.
Variant type: single nucleotide variant.
Coding change: c.1255G>A on transcript NM_000080.4 (MANE Select); coding-DNA position 1255, G replaced by A.
Protein change: p.Glu419Lys; replaces glutamic acid 419 with lysine.
Molecular consequence: missense variant.
Genome position (GRCh38, 1-based): chr17:4,899,072, C>T on the plus strand (G>A on the coding strand, the complement: CHRNE is on the minus strand). VCF-style: chr17-4899072-C-T. GRCh37 (hg19) VCF-style: chr17-4802367-C-T.
Other names: c.1255G>A, p.Glu419Lys (LRG_1254t1); short protein forms E419K.
Identifiers: ClinVar variation 534255 (VCV000534255.11), dbSNP rs754975887, ClinGen allele CA8313919.
Genomic context (GRCh38, chr17:4,899,072, plus strand): 5'-CCTCCTGATCTCTCGTGCTCTCGGCCACGAAGTTCACGGCATCCACACAGCAGCGGACCT[C>T]GGGGGCGGCGGCGCCCAGGCTCTGGCAGAAGGCAGCTGGCGGGGAAAACACCGGGGTGGG-3'
Protein context (NP_000071.1, residues 409-429): FCQSLGAAAP[Glu419Lys]VRCCVDAVNF

ClinVar aggregate classification (germline): Uncertain significance. Review status: criteria provided, multiple submitters, no conflicts (2 of 4 stars). 4 submissions from 4 submitters: Uncertain significance (3). 1 of the submissions does not count toward it. Last evaluated 2024-10-21.

Conditions:
Inborn genetic diseases. Identifiers: MedGen C0950123, MeSH D030342.
Congenital myasthenic syndrome (CMS). Also called: Congenital Myasthenic Syndromes. Identifiers: Orphanet 590, MedGen C0751882, MeSH D020294, MONDO:0018940.
Congenital myasthenic syndrome 4A. Also called: CONGENITAL MYASTHENIC SYNDROME TYPE Ia1; Myasthenic syndrome, congenital, 4a, slow-channel; MYASTHENIC SYNDROME, CONGENITAL, 4A, SLOW-CHANNEL, AUTOSOMAL RECESSIVE. Identifiers: Orphanet 590, MedGen C4225413, MONDO:0011600, OMIM 605809.

Allele frequency attached by ClinVar (database versions not stated): gnomAD 0.00001; ExAC 0.00002; gnomAD exomes 0.00002; TOPMed 0.00002.
gnomAD v4.1: 110 of 1,611,318 alleles (0.0068%); highest among the groups gnomAD compares: Non-Finnish European, 0.009%; no homozygotes.

Submissions (4):

Labcorp Genetics (formerly Invitae), Labcorp
Classification: Uncertain significance for Congenital myasthenic syndrome 4A. Last evaluated: 2024-10-21. Review status: criteria provided, single submitter. Criteria: Invitae Variant Classification Sherloc (09022015). Collection method: clinical testing. Allele origin: germline.
Comment: This sequence change replaces glutamic acid, which is acidic and polar, with lysine, which is basic and polar, at codon 419 of the CHRNE protein (p.Glu419Lys). This variant is present in population databases (rs754975887, gnomAD 0.006%). This variant has not been reported in the literature in individuals affected with CHRNE-related conditions. ClinVar contains an entry for this variant (Variation ID: 534255). Invitae Evidence Modeling of protein sequence and biophysical properties (such as structural, functional, and spatial information, amino acid conservation, physicochemical variation, residue mobility, and thermodynamic stability) has been performed for this missense variant. However, the output from this modeling did not meet the statistical confidence thresholds required to predict the impact of this variant on CHRNE protein function. In summary, the available evidence is currently insufficient to determine the role of this variant in disease. Therefore, it has been classified as a Variant of Uncertain Significance.

Ambry Genetics
Classification: Uncertain significance for Inborn genetic diseases. Last evaluated: 2024-05-14. Review status: criteria provided, single submitter. Criteria: Ambry Variant Classification Scheme 2023. Collection method: clinical testing. Allele origin: germline.

Revvity Omics, Revvity
Classification: Uncertain significance. Last evaluated: 2019-09-13. Review status: criteria provided, single submitter. Criteria: ACMG Guidelines, 2015. Collection method: clinical testing. Allele origin: germline.

Natera, Inc.
Classification: Uncertain significance for Congenital myasthenic syndrome. Last evaluated: 2019-10-28. Review status: no assertion criteria provided. Collection method: clinical testing. Allele origin: germline. Not counted in ClinVar's aggregate classification.